The following is an entry in ClinVar:

ClinVar aggregate classification (germline): Uncertain significance (1 of 4 stars; one submission).

Submission:

GeneDx
Classification: Uncertain significance. Last evaluated: 2025-03-26. Review status: criteria provided, single submitter. Criteria: GeneDx Variant Classification Process June 2021. Collection method: clinical testing. Allele origin: germline. Affected: yes.
Comment: Not observed at significant frequency in large population cohorts (gnomAD); In silico analysis supports that this missense variant has a deleterious effect on protein structure/function; Has not been previously published as pathogenic or benign to our knowledge

NM_004408.4(DNM1):c.329G>C (p.Gly110Ala)

Genes: DNM1 (dynamin 1; plus strand), LOC113839516 (Sharpr-MPRA regulatory region 8497; plus strand). Cytogenetic location: 9q34.11.
Variant type: single nucleotide variant.
Coding change: c.329G>C on transcript NM_004408.4 (MANE Select); coding-DNA position 329, G replaced by C.
Protein change: p.Gly110Ala; replaces glycine 110 with alanine.
Molecular consequence: missense variant.
Genome position (GRCh38, 1-based): chr9:128,218,675, G>C. VCF-style: chr9-128218675-G-C. GRCh37 (hg19) VCF-style: chr9-130980954-G-C.
Other names: c.329G>C, p.Gly110Ala (NM_001005336.3, NM_001288737.2, NM_001288738.2 and 2 more transcripts); short protein forms G110A.
Identifiers: ClinVar variation 4087995 (VCV004087995.1).
Genomic context (GRCh38, chr9:128,218,675, plus strand): 5'-AATTCACCGACTTCGAGGAGGTGCGCCTTGAGATCGAGGCCGAGACCGACAGGGTCACCG[G>C]CACCAACAAGGGCATCTCGCCGGTGCCTATCAACCTCCGCGTCTACTCGCCGCACGGTGA-3'
Protein context (NP_004399.2, residues 100-120): EIEAETDRVT[Gly110Ala]TNKGISPVPI